The following is an entry in ClinVar:

NM_020750.3(XPO5):c.2477C>T (p.Ser826Phe)

Genes: POLR1C (RNA polymerase I and III subunit C; plus strand), XPO5 (exportin 5; minus strand). Cytogenetic location: 6p21.1.
Variant type: single nucleotide variant.
Coding change: c.2477C>T on transcript NM_020750.3 (MANE Select); coding-DNA position 2477, C replaced by T.
Protein change: p.Ser826Phe; replaces serine 826 with phenylalanine.
Molecular consequence: missense variant. On other transcripts: non-coding transcript variant (1), intron variant (1).
Genome position (GRCh38, 1-based): chr6:43,531,542, G>A on the plus strand (C>T on the coding strand, the complement: XPO5 is on the minus strand). VCF-style: chr6-43531542-G-A. GRCh37 (hg19) VCF-style: chr6-43499280-G-A.
Other names: c.922+10494G>A (NM_001363658.2); short protein forms S826F.
Identifiers: ClinVar variation 3695393 (VCV003695393.2).
Genomic context (GRCh38, chr6:43,531,542, plus strand): 5'-TTTTCATAGAGGGTAGAGAAGAAACGCTGCATTCTTTCCAAGACGGTTTTGAAGACAGGA[G>A]AGTCATTGAGTTCCAAGAGAGGTTGAGGTAATCCTACAGGGAAATACGGGTCAAGAACAT-3'
Protein context (NP_065801.1, residues 816-836): LPQPLLELND[Ser826Phe]PVFKTVLERM

ClinVar aggregate classification (germline): Uncertain significance (1 of 4 stars; one submission).

gnomAD v4.1: 1 of 1,613,846 alleles (0.000062%); highest among the groups gnomAD compares: African/African-American, 0.0013%; no homozygotes.

Submission:

Labcorp Genetics (formerly Invitae), Labcorp
Classification: Uncertain significance. Last evaluated: 2024-06-28. Review status: criteria provided, single submitter. Criteria: Invitae Variant Classification Sherloc (09022015). Collection method: clinical testing. Allele origin: germline.
Comment: This sequence change replaces serine, which is neutral and polar, with phenylalanine, which is neutral and non-polar, at codon 826 of the XPO5 protein (p.Ser826Phe). This variant is present in population databases (no rsID available, gnomAD 0.0009%). This variant has not been reported in the literature in individuals affected with XPO5-related conditions. An algorithm developed to predict the effect of missense changes on protein structure and function (PolyPhen-2) suggests that this variant is likely to be tolerated. In summary, the available evidence is currently insufficient to determine the role of this variant in disease. Therefore, it has been classified as a Variant of Uncertain Significance.